The following is an entry in ClinVar:

NR_199791.1(RNU2-2):n.96T>A

Genes: RNU2-2 (RNA, U2 small nuclear 2; minus strand), WDR74 (WD repeat domain 74; minus strand). Cytogenetic location: 11q12.3.
Variant type: single nucleotide variant.
Molecular consequence: non-coding transcript variant (on NR_199791.1). On other transcripts: 5 prime UTR variant (1).
Genome position: GRCh38 VCF-style: chr11-62841714-A-T. GRCh37 (hg19) VCF-style: chr11-62609186-A-T.
Other names: c.-443T>A (NM_001369451.1).
Identifiers: ClinVar variation 4540496 (VCV004540496.1).

ClinVar aggregate classification (germline): Uncertain significance (1 of 4 stars; one submission).

Submission:

Institute for Human Genetics, University Hospital Essen
Classification: Uncertain significance. Last evaluated: 2025-11-27. Review status: criteria provided, single submitter. Criteria: Submitter's publication. Collection method: clinical testing. Allele origin: biparental. Inheritance: Autosomal unknown. Affected: yes. Observed: 1 variant allele, 1 homozygote.
Comment: PM2_supp (criteria rationale detailed in Leitão et al. Nature Genetics 2026)